The following is an entry in ClinVar:

ClinVar aggregate classification (germline): Uncertain significance. Review status: criteria provided, multiple submitters, no conflicts (2 of 4 stars). 3 submissions from 3 submitters: Uncertain significance (3). Last evaluated 2025-02-02.

Conditions:
Gorlin syndrome. Also called: Basal cell nevus syndrome; Nevoid Basal Cell Carcinoma Syndrome. Identifiers: Orphanet 377, MedGen C0004779, MONDO:0007187.
Medulloblastoma (MDB). Also called: MEDULLOBLASTOMA PREDISPOSITION SYNDROME; Medulloblastoma, somatic. Identifiers: Orphanet 616, MedGen C0025149, MeSH D008527, MONDO:0007959, OMIM 155255, HP:0002885.
Familial meningioma. Also called: Meningioma, familial, susceptibility to. Identifiers: Orphanet 263662, MedGen C3551915, MONDO:0011789, OMIM 607174.
Hereditary cancer-predisposing syndrome. Also called: Neoplastic Syndromes, Hereditary; Hereditary neoplastic syndrome; Tumor predisposition; Hereditary Cancer Syndrome. Identifiers: Orphanet 140162, MedGen C0027672, MeSH D009386, MONDO:0015356.

Allele frequency attached by ClinVar (database versions not stated): gnomAD 0.00001; gnomAD exomes 0.00001; TOPMed 0.00001.
gnomAD v4.1: 13 of 1,614,116 alleles (0.00081%); highest among the groups gnomAD compares: Non-Finnish European, 0.001%; no homozygotes.

Submissions (3):

Ambry Genetics
Classification: Uncertain significance for Hereditary cancer-predisposing syndrome. Last evaluated: 2025-02-02. Review status: criteria provided, single submitter. Criteria: Ambry Variant Classification Scheme 2023. Collection method: clinical testing. Allele origin: germline.
Comment: The p.Q213E variant (also known as c.637C>G), located in coding exon 5 of the SUFU gene, results from a C to G substitution at nucleotide position 637. The glutamine at codon 213 is replaced by glutamic acid, an amino acid with highly similar properties. This alteration was identified in 1/1358 non-cancer control individuals and in 0/57 cases, in a study looking at cancer predisposition mutations in patients with cutaneous melanoma and a history of at least two additional non-cutaneous melanoma primary cancers. (Pritchard AL et al, 2018 Apr;13:e0194098). This amino acid position is highly conserved in available vertebrate species. In addition, the in silico prediction for this alteration is inconclusive. Since supporting evidence is limited at this time, the clinical significance of this alteration remains unclear.

Labcorp Genetics (formerly Invitae), Labcorp
Classification: Uncertain significance for Gorlin syndrome; Medulloblastoma. Last evaluated: 2024-05-07. Review status: criteria provided, single submitter. Criteria: Invitae Variant Classification Sherloc (09022015). Collection method: clinical testing. Allele origin: germline.
Comment: This sequence change replaces glutamine, which is neutral and polar, with glutamic acid, which is acidic and polar, at codon 213 of the SUFU protein (p.Gln213Glu). This variant is present in population databases (no rsID available, gnomAD 0.002%). This variant has not been reported in the literature in individuals affected with SUFU-related conditions. ClinVar contains an entry for this variant (Variation ID: 838383). Advanced modeling of protein sequence and biophysical properties (such as structural, functional, and spatial information, amino acid conservation, physicochemical variation, residue mobility, and thermodynamic stability) performed at Invitae indicates that this missense variant is not expected to disrupt SUFU protein function with a negative predictive value of 80%. In summary, the available evidence is currently insufficient to determine the role of this variant in disease. Therefore, it has been classified as a Variant of Uncertain Significance.

Baylor Genetics
Classification: Uncertain significance for Familial meningioma. Last evaluated: 2024-01-23. Review status: criteria provided, single submitter. Criteria: ACMG Guidelines, 2015. Collection method: clinical testing. Allele origin: unknown.

Literature cited by the submitters: PubMed 29641532 (cited by Ambry Genetics).

NM_016169.4(SUFU):c.637C>G (p.Gln213Glu)

Gene: SUFU (SUFU negative regulator of hedgehog signaling; plus strand). Cytogenetic location: 10q24.32.
Variant type: single nucleotide variant.
Coding change: c.637C>G on transcript NM_016169.4 (MANE Select); coding-DNA position 637, C replaced by G.
Protein change: p.Gln213Glu; replaces glutamine 213 with glutamic acid.
Molecular consequence: missense variant.
Genome position (GRCh38, 1-based): chr10:102,593,675, C>G. VCF-style: chr10-102593675-C-G. GRCh37 (hg19) VCF-style: chr10-104353432-C-G.
Other names: c.637C>G, p.Gln213Glu (NM_001178133.2); short protein forms Q213E.
Identifiers: ClinVar variation 838383 (VCV000838383.12), dbSNP rs907135467, ClinGen allele CA212266190.